The following is an entry in ClinVar:

ClinVar aggregate classification (germline): Uncertain significance (1 of 4 stars; one submission).

Conditions:
Christianson syndrome (MRXSCH). Also called: X-linked mental retardation, syndromic, Christianson type; INTELLECTUAL DEVELOPMENTAL DISORDER, X-LINKED, SYNDROMIC, CHRISTIANSON TYPE; SLC9A6-Related Syndromic Mental Retardation. Identifiers: Orphanet 85278, MedGen C2678194, MONDO:0010278, OMIM 300243.

Submission:

Labcorp Genetics (formerly Invitae), Labcorp
Classification: Uncertain significance for Christianson syndrome. Last evaluated: 2023-03-19. Review status: criteria provided, single submitter. Criteria: Invitae Variant Classification Sherloc (09022015). Collection method: clinical testing. Allele origin: germline.
Comment: This sequence change replaces methionine, which is neutral and non-polar, with valine, which is neutral and non-polar, at codon 500 of the SLC9A6 protein (p.Met500Val). This variant is not present in population databases (gnomAD no frequency). This variant has not been reported in the literature in individuals affected with SLC9A6-related conditions. Advanced modeling of protein sequence and biophysical properties (such as structural, functional, and spatial information, amino acid conservation, physicochemical variation, residue mobility, and thermodynamic stability) performed at Invitae indicates that this missense variant is not expected to disrupt SLC9A6 protein function. In summary, the available evidence is currently insufficient to determine the role of this variant in disease. Therefore, it has been classified as a Variant of Uncertain Significance.

NM_001379110.1(SLC9A6):c.1438A>G (p.Met480Val)

Gene: SLC9A6 (solute carrier family 9 member A6; plus strand). Cytogenetic location: Xq26.3.
Variant type: single nucleotide variant.
Coding change: c.1438A>G on transcript NM_001379110.1 (MANE Select); coding-DNA position 1438, A replaced by G.
Protein change: p.Met480Val; replaces methionine 480 with valine.
Molecular consequence: missense variant.
Genome position (GRCh38, 1-based): chrX:136,024,461, A>G. VCF-style: chrX-136024461-A-G. GRCh37 (hg19) VCF-style: chrX-135106620-A-G.
Other names: c.1594A>G, p.Met532Val (NM_001042537.2); c.1438A>G, p.Met480Val (NM_001177651.2, NM_001400909.1, NM_001400910.1 and 2 more transcripts); c.1342A>G, p.Met448Val (NM_001330652.2, NM_001400913.1); c.1498A>G, p.Met500Val (NM_006359.3); short protein forms M500V, M532V, M448V, M480V.
Identifiers: ClinVar variation 2847590 (VCV002847590.3), dbSNP rs2148190021, ClinGen allele CA414754803.